The following is an entry in ClinVar:

NM_001089.3(ABCA3):c.1697G>A (p.Gly566Asp)

Gene: ABCA3 (ATP binding cassette subfamily A member 3; minus strand). Cytogenetic location: 16p13.3.
Variant type: single nucleotide variant.
Coding change: c.1697G>A on transcript NM_001089.3 (MANE Select); coding-DNA position 1697, G replaced by A.
Protein change: p.Gly566Asp; replaces glycine 566 with aspartic acid.
Molecular consequence: missense variant.
Genome position (GRCh38, 1-based): chr16:2,299,447, C>T on the plus strand (G>A on the coding strand, the complement: ABCA3 is on the minus strand). VCF-style: chr16-2299447-C-T. GRCh37 (hg19) VCF-style: chr16-2349448-C-T.
Other names: short protein forms G566D.
Identifiers: ClinVar variation 2701990 (VCV002701990.3), dbSNP rs1596844811, ClinGen allele CA394334101.

ClinVar aggregate classification (germline): Uncertain significance (1 of 4 stars; one submission).

Submission:

Labcorp Genetics (formerly Invitae), Labcorp
Classification: Uncertain significance. Last evaluated: 2023-12-10. Review status: criteria provided, single submitter. Criteria: Invitae Variant Classification Sherloc (09022015). Collection method: clinical testing. Allele origin: germline.
Comment: This sequence change replaces glycine, which is neutral and non-polar, with aspartic acid, which is acidic and polar, at codon 566 of the ABCA3 protein (p.Gly566Asp). This variant is not present in population databases (gnomAD no frequency). This variant has not been reported in the literature in individuals affected with ABCA3-related conditions. Advanced modeling of protein sequence and biophysical properties (such as structural, functional, and spatial information, amino acid conservation, physicochemical variation, residue mobility, and thermodynamic stability) performed at Invitae indicates that this missense variant is expected to disrupt ABCA3 protein function with a positive predictive value of 80%. In summary, the available evidence is currently insufficient to determine the role of this variant in disease. Therefore, it has been classified as a Variant of Uncertain Significance.